The following is an entry in ClinVar:

NM_012448.4(STAT5B):c.1645A>G (p.Ser549Gly)

Gene: STAT5B (signal transducer and activator of transcription 5B; minus strand). Cytogenetic location: 17q21.2.
Variant type: single nucleotide variant.
Coding change: c.1645A>G on transcript NM_012448.4 (MANE Select); coding-DNA position 1645, A replaced by G.
Protein change: p.Ser549Gly; replaces serine 549 with glycine.
Molecular consequence: missense variant.
Genome position (GRCh38, 1-based): chr17:42,212,019, T>C on the plus strand (A>G on the coding strand, the complement: STAT5B is on the minus strand). VCF-style: chr17-42212019-T-C. GRCh37 (hg19) VCF-style: chr17-40364037-T-C.
Other names: short protein forms S549G.
Identifiers: ClinVar variation 1980057 (VCV001980057.4), dbSNP rs2508731713, ClinGen allele CA399578762.

ClinVar aggregate classification (germline): Uncertain significance (1 of 4 stars; one submission).

Conditions:
Growth hormone insensitivity with immune dysregulation 1, autosomal recessive. Also called: GROWTH HORMONE INSENSITIVITY SYNDROME WITH IMMUNE DYSREGULATION 1, AUTOSOMAL RECESSIVE; LARON SYNDROME DUE TO POSTRECEPTOR DEFECT; GROWTH HORMONE INSENSITIVITY DUE TO POSTRECEPTOR DEFECT; Laron syndrome with immunodeficiency. Identifiers: Orphanet 220465, MedGen C5435698, MONDO:0100211, OMIM 245590.

Allele frequency attached by ClinVar (database versions not stated): gnomAD exomes below 0.00001.
gnomAD v4.1: 1 of 1,613,868 alleles (0.000062%); highest among the groups gnomAD compares: Non-Finnish European, 0.000085%; no homozygotes.

Submission:

Labcorp Genetics (formerly Invitae), Labcorp
Classification: Uncertain significance for Growth hormone insensitivity with immune dysregulation 1, autosomal recessive. Last evaluated: 2025-11-21. Review status: criteria provided, single submitter. Criteria: Invitae Variant Classification Sherloc (09022015). Collection method: clinical testing. Allele origin: germline.
Comment: This sequence change replaces serine, which is neutral and polar, with glycine, which is neutral and non-polar, at codon 549 of the STAT5B protein (p.Ser549Gly). This variant is not present in population databases (gnomAD no frequency). This variant has not been reported in the literature in individuals affected with STAT5B-related conditions. ClinVar contains an entry for this variant (Variation ID: 1980057). Invitae Evidence Modeling of protein sequence and biophysical properties (such as structural, functional, and spatial information, amino acid conservation, physicochemical variation, residue mobility, and thermodynamic stability) indicates that this missense variant is not expected to disrupt STAT5B protein function with a negative predictive value of 80%. In summary, the available evidence is currently insufficient to determine the role of this variant in disease. Therefore, it has been classified as a Variant of Uncertain Significance.